The following is an entry in ClinVar:

NM_133433.4(NIPBL):c.3010G>A (p.Val1004Met)

Gene: NIPBL (NIPBL cohesin loading factor; plus strand). Cytogenetic location: 5p13.2.
Variant type: single nucleotide variant.
Coding change: c.3010G>A on transcript NM_133433.4 (MANE Select); coding-DNA position 3010, G replaced by A.
Protein change: p.Val1004Met; replaces valine 1004 with methionine.
Molecular consequence: missense variant.
Genome position (GRCh38, 1-based): chr5:36,986,190, G>A. VCF-style: chr5-36986190-G-A. GRCh37 (hg19) VCF-style: chr5-36986292-G-A.
Other names: c.3010G>A, p.Val1004Met (NM_015384.5); short protein forms V1004M.
Identifiers: ClinVar variation 3384988 (VCV003384988.1).
Genomic context (GRCh38, chr5:36,986,190, plus strand): 5'-GACAAAGTAGAAAAAATAGGATTAGTTGAAGATCTAAATAAAGGAGCTAAGCCTGTAGTT[G>A]TGCTACAAAAACTGTCTTTGGATGATGTTCAGAAACTTATTAAAGATAGAGAGGACAAAT-3'
Protein context (NP_597677.2, residues 994-1014): DLNKGAKPVV[Val1004Met]LQKLSLDDVQ

ClinVar aggregate classification (germline): Uncertain significance (1 of 4 stars; one submission).

gnomAD v4.1: 4 of 1,609,048 alleles (0.00025%); highest among the groups gnomAD compares: Non-Finnish European, 0.00034%; no homozygotes.

Submission:

Women's Health and Genetics/Laboratory Corporation of America, LabCorp
Classification: Uncertain significance. Last evaluated: 2024-10-02. Review status: criteria provided, single submitter. Criteria: LabCorp Variant Classification Summary - May 2015. Collection method: clinical testing. Allele origin: germline.
Comment: Variant summary: NIPBL c.3010G>A (p.Val1004Met) results in a conservative amino acid change in the encoded protein sequence. Four of five in-silico tools predict a damaging effect of the variant on protein function. The variant allele was found at a frequency of 4.1e-06 in 245158 control chromosomes. The available data on variant occurrences in the general population are insufficient to allow any conclusion about variant significance. To our knowledge, no occurrence of c.3010G>A in individuals affected with Cornelia De Lange Syndrome 1 and no experimental evidence demonstrating its impact on protein function have been reported. No submitters have cited clinical-significance assessments for this variant to ClinVar. Based on the evidence outlined above, the variant was classified as uncertain significance.